The following is an entry in ClinVar:

ClinVar aggregate classification (germline): Benign/Likely benign. Review status: criteria provided, multiple submitters, no conflicts (2 of 4 stars). 9 submissions from 9 submitters: Benign (4); Likely benign (5). Last evaluated 2026-03-01.

Conditions:
Inborn genetic diseases. Identifiers: MedGen C0950123, MeSH D030342.
Familial sleep-related hypermotor epilepsy. Also called: Autosomal Dominant Sleep-Related Hypermotor (Hyperkinetic) Epilepsy. Identifiers: Orphanet 98784, MedGen C3696898, MONDO:0000030.

Allele frequency attached by ClinVar (database versions not stated): gnomAD exomes 0.00034 and 0.00071; ExAC 0.00066; gnomAD 0.00192 and 0.00200; ESP Exome Variant Server 0.00215; TOPMed 0.00221; 1000 Genomes Project 0.00260; 1000 Genomes Project 30x 0.00281.
gnomAD v4.1: 814 of 1,613,716 alleles (0.05%); highest among the groups gnomAD compares: African/African-American, 0.68%; 2 homozygotes.

Submissions (9):

CeGaT Center for Human Genetics Tuebingen
Classification: Likely benign. Last evaluated: 2026-03-01. Review status: criteria provided, single submitter. Criteria: CeGaT Center For Human Genetics Tuebingen Variant Classification Criteria Version 2. Collection method: clinical testing. Allele origin: germline. Affected: yes. Observed: 4 variant alleles.
Comment: CHRNA4: BP4, BS1

Labcorp Genetics (formerly Invitae), Labcorp
Classification: Benign. Last evaluated: 2026-01-25. Review status: criteria provided, single submitter. Criteria: Invitae Variant Classification Sherloc (09022015). Collection method: clinical testing. Allele origin: germline.

Blueprint Genetics
Classification: Likely benign. Last evaluated: 2024-11-28. Review status: criteria provided, single submitter. Criteria: ACMG Guidelines, 2015. Collection method: clinical testing. Allele origin: germline.

Athena Diagnostics
Classification: Benign. Last evaluated: 2024-01-30. Review status: criteria provided, single submitter. Criteria: Athena Diagnostics Criteria. Collection method: clinical testing. Allele origin: unknown.

Eurofins Ntd Llc (ga)
Classification: Benign. Last evaluated: 2016-09-14. Review status: criteria provided, single submitter. Criteria: EGL Classification Definitions 2015. Collection method: clinical testing. Allele origin: germline. Observed: 1 variant allele, 1 heterozygote.

Ambry Genetics
Classification: Likely benign for Inborn genetic diseases. Last evaluated: 2016-09-06. Review status: criteria provided, single submitter. Criteria: Ambry Variant Classification Scheme 2023. Collection method: clinical testing. Allele origin: germline.

GeneDx
Classification: Benign. Last evaluated: 2014-03-27. Review status: criteria provided, single submitter. Criteria: GeneDx Variant Classification (06012015). Collection method: clinical testing. Allele origin: germline. Affected: yes.
Comment: This variant is considered likely benign or benign based on one or more of the following criteria: it is a conservative change, it occurs at a poorly conserved position in the protein, it is predicted to be benign by multiple in silico algorithms, and/or has population frequency not consistent with disease.

Genetic Services Laboratory, University of Chicago
Classification: Likely benign for AllHighlyPenetrant. Last evaluated: 2013-08-27. Review status: criteria provided, single submitter. Criteria: ACMG Guidelines, 2007. Collection method: clinical testing. Allele origin: germline. Inheritance: Autosomal dominant inheritance.

Breakthrough Genomics
Classification: Likely benign. Review status: criteria provided, single submitter. Criteria: ACMG Guidelines, 2015. Collection method: not provided. Allele origin: germline. Inheritance: Autosomal dominant inheritance. Affected: yes.

Literature cited by the submitters: PubMed 21683344 (cited by Athena Diagnostics).

NM_000744.7(CHRNA4):c.1047G>A (p.Leu349=)

Gene: CHRNA4 (cholinergic receptor nicotinic alpha 4 subunit; minus strand). Cytogenetic location: 20q13.33.
Variant type: single nucleotide variant.
Coding change: c.1047G>A on transcript NM_000744.7 (MANE Select); coding-DNA position 1047, G replaced by A.
Protein change: p.Leu349=; no amino-acid change (leucine 349 retained).
Molecular consequence: synonymous variant. On other transcripts: non-coding transcript variant (1).
Genome position (GRCh38, 1-based): chr20:63,350,364, C>T on the plus strand (G>A on the coding strand, the complement: CHRNA4 is on the minus strand). VCF-style: chr20-63350364-C-T. GRCh37 (hg19) VCF-style: chr20-61981716-C-T.
Other names: p.L349L:CTG>CTA; c.519G>A, p.Leu173= (NM_001256573.2).
Identifiers: ClinVar variation 128743 (VCV000128743.49), dbSNP rs75593857, ClinGen allele CA288714.